The following is an entry in ClinVar:

NM_030948.6(PHACTR1):c.1650+10G>A

Genes: PHACTR1 (phosphatase and actin regulator 1; plus strand), TBC1D7-LOC100130357 (TBC1D7-LOC100130357 readthrough; minus strand), LOC100130357 (uncharacterized LOC100130357; minus strand). Cytogenetic location: 6p24.1.
Variant type: single nucleotide variant.
Coding change: c.1650+10G>A on transcript NM_030948.6 (MANE Select); 10 bases into the intron after coding-DNA position 1650, G replaced by A.
Molecular consequence: intron variant.
Genome position (GRCh38, 1-based): chr6:13,283,572, G>A. VCF-style: chr6-13283572-G-A. GRCh37 (hg19) VCF-style: chr6-13283804-G-A.
Other names: c.1650+10G>A (NM_001242648.4, NM_001374581.2, NM_001322308.3 and 1 more transcripts); c.1857+10G>A (NM_001322310.2); c.1581+10G>A (NM_001322313.2); c.1374+10G>A (NM_001322312.3, NM_001322311.2, NM_001374583.2); c.1860+10G>A (NM_001322314.4, NM_001322314.1); c.*40-15737C>T (NM_001318809.2).
Identifiers: ClinVar variation 4973792 (VCV004973792.2).

ClinVar aggregate classification (germline): Likely benign. Review status: criteria provided, multiple submitters, no conflicts (2 of 4 stars). 2 submissions from 2 submitters: Likely benign (2). Last evaluated 2025-06-24.

Conditions:
PHACTR1-related disorder. Also called: PHACTR1-related condition.

gnomAD v4.1: 207 of 1,613,636 alleles (0.013%); highest among the groups gnomAD compares: Non-Finnish European, 0.017%; no homozygotes.

Submissions (2):

PreventionGenetics, part of Exact Sciences
Classification: Likely benign for PHACTR1-related condition. Last evaluated: 2025-06-24. Review status: criteria provided, single submitter. Criteria: ACMG Guidelines, 2015. Collection method: clinical testing. Allele origin: germline.
Comment: This variant is classified as likely benign based on ACMG/AMP sequence variant interpretation guidelines (Richards et al. 2015 PMID: 25741868, with internal and published modifications).

Blueprint Genetics
Classification: Likely benign. Last evaluated: 2024-10-24. Review status: criteria provided, single submitter. Criteria: ACMG Guidelines, 2015. Collection method: clinical testing. Allele origin: germline.